The following is an entry in ClinVar:

NM_002471.4(MYH6):c.973G>C (p.Asp325His)

Gene: MYH6 (myosin heavy chain 6; minus strand). Cytogenetic location: 14q11.2.
Variant type: single nucleotide variant.
Coding change: c.973G>C on transcript NM_002471.4 (MANE Select); coding-DNA position 973, G replaced by C.
Protein change: p.Asp325His; replaces aspartic acid 325 with histidine.
Molecular consequence: missense variant.
Genome position (GRCh38, 1-based): chr14:23,402,726, C>G on the plus strand (G>C on the coding strand, the complement: MYH6 is on the minus strand). VCF-style: chr14-23402726-C-G. GRCh37 (hg19) VCF-style: chr14-23871935-C-G.
Other names: c.973G>C (NM_002471.3); short protein forms D325H.
Identifiers: ClinVar variation 1390617 (VCV001390617.7), dbSNP rs1891644653, ClinGen allele CA389026902.
Genomic context (GRCh38, chr14:23,402,726, plus strand): 5'-CTCGAACGGCCGCAGCAGCCCCCTCACTCACATCGGTGGCCATGAGCTCCTCGGAGTCAT[C>G]AATGGAGGCCACGGACACCTCTCCCTGAGACACGAAGGCGTAGTCGTAGGGATTGTTGGT-3'
Protein context (NP_002462.2, residues 315-335): SQGEVSVASI[Asp325His]DSEELMATDS

ClinVar aggregate classification (germline): Uncertain significance. Review status: criteria provided, multiple submitters, no conflicts (2 of 4 stars). 2 submissions from 2 submitters: Uncertain significance (2). Last evaluated 2025-08-11.

Conditions:
Hypertrophic cardiomyopathy 14. Identifiers: MedGen C2750467, MONDO:0013197, OMIM 613251.
Cardiovascular phenotype. Identifiers: MedGen CN230736.

Allele frequency attached by ClinVar (database versions not stated): TOPMed below 0.00001.

Submissions (2):

Ambry Genetics
Classification: Uncertain significance for Cardiovascular phenotype. Last evaluated: 2025-08-11. Review status: criteria provided, single submitter. Criteria: Ambry Variant Classification Scheme 2023. Collection method: clinical testing. Allele origin: germline.

Labcorp Genetics (formerly Invitae), Labcorp
Classification: Uncertain significance for Hypertrophic cardiomyopathy 14. Last evaluated: 2024-11-05. Review status: criteria provided, single submitter. Criteria: Invitae Variant Classification Sherloc (09022015). Collection method: clinical testing. Allele origin: germline.
Comment: This sequence change replaces aspartic acid, which is acidic and polar, with histidine, which is basic and polar, at codon 325 of the MYH6 protein (p.Asp325His). This variant is not present in population databases (gnomAD no frequency). This variant has not been reported in the literature in individuals affected with MYH6-related conditions. ClinVar contains an entry for this variant (Variation ID: 1390617). Invitae Evidence Modeling of protein sequence and biophysical properties (such as structural, functional, and spatial information, amino acid conservation, physicochemical variation, residue mobility, and thermodynamic stability) indicates that this missense variant is expected to disrupt MYH6 protein function with a positive predictive value of 80%. In summary, the available evidence is currently insufficient to determine the role of this variant in disease. Therefore, it has been classified as a Variant of Uncertain Significance.